The following is an entry in ClinVar:

ClinVar aggregate classification (germline): Uncertain significance (1 of 4 stars; one submission).

Conditions:
Inborn genetic diseases. Identifiers: MedGen C0950123, MeSH D030342.

Submission:

Ambry Genetics
Classification: Uncertain significance for Inborn genetic diseases. Last evaluated: 2024-09-19. Review status: criteria provided, single submitter. Criteria: Ambry Variant Classification Scheme 2023. Collection method: clinical testing. Allele origin: germline.
Comment: The p.L1668P variant (also known as c.5003T>C), located in coding exon 34 of the LRRK2 gene, results from a T to C substitution at nucleotide position 5003. The leucine at codon 1668 is replaced by proline, an amino acid with similar properties. This amino acid position is conserved. In addition, this alteration is predicted to be deleterious by in silico analysis. Based on the available evidence, the clinical significance of this variant remains unclear.

NM_198578.4(LRRK2):c.5003T>C (p.Leu1668Pro)

Gene: LRRK2 (leucine rich repeat kinase 2; plus strand). Cytogenetic location: 12q12.
Variant type: single nucleotide variant.
Coding change: c.5003T>C on transcript NM_198578.4 (MANE Select); coding-DNA position 5003, T replaced by C.
Protein change: p.Leu1668Pro; replaces leucine 1668 with proline.
Molecular consequence: missense variant.
Genome position (GRCh38, 1-based): chr12:40,320,163, T>C. VCF-style: chr12-40320163-T-C. GRCh37 (hg19) VCF-style: chr12-40713965-T-C.
Other names: short protein forms L1668P.
Identifiers: ClinVar variation 3540498 (VCV003540498.1).